The following is an entry in ClinVar:

NM_001429.4(EP300):c.98T>G (p.Phe33Cys)

Gene: EP300 (EP300 lysine acetyltransferase; plus strand). Cytogenetic location: 22q13.2.
Variant type: single nucleotide variant.
Coding change: c.98T>G on transcript NM_001429.4 (MANE Select); coding-DNA position 98, T replaced by G.
Protein change: p.Phe33Cys; replaces phenylalanine 33 with cysteine.
Molecular consequence: missense variant.
Genome position (GRCh38, 1-based): chr22:41,117,190, T>G. VCF-style: chr22-41117190-T-G. GRCh37 (hg19) VCF-style: chr22-41513194-T-G.
Other names: c.98T>G, p.Phe33Cys (NM_001362843.2); short protein forms F33C.
Identifiers: ClinVar variation 4795634 (VCV004795634.1).
Genomic context (GRCh38, chr22:41,117,190, plus strand): 5'-AGTTTTTTATTTTGGTTTTGTCATACTTTGACCTTTGTCTTTTCCCTTTGCTTTTAGATT[T>G]TGGCTCTCTATTTGACTTGGAGCACGACTTACCAGATGAATTAATCAACTCTACAGAATT-3'
Protein context (NP_001420.2, residues 23-43): LSASASDGTD[Phe33Cys]GSLFDLEHDL

ClinVar aggregate classification (germline): Uncertain significance (1 of 4 stars; one submission).

Submission:

GeneDx
Classification: Uncertain significance. Last evaluated: 2025-08-14. Review status: criteria provided, single submitter. Criteria: GeneDx Variant Classification Process June 2021. Collection method: clinical testing. Allele origin: germline. Affected: yes.
Comment: Not observed at significant frequency in large population cohorts (gnomAD); In silico analysis supports that this missense variant has a deleterious effect on protein structure/function; Has not been previously published as pathogenic or benign to our knowledge